The following is an entry in ClinVar:

ClinVar aggregate classification (germline): Benign/Likely benign. Review status: criteria provided, multiple submitters, no conflicts (2 of 4 stars). 3 submissions from 3 submitters: Benign (1); Likely benign (2). Last evaluated 2026-09-29.

Conditions:
Hereditary cancer-predisposing syndrome. Also called: Hereditary Cancer Syndrome; Tumor predisposition; Hereditary neoplastic syndrome; Neoplastic Syndromes, Hereditary. Identifiers: Orphanet 140162, MedGen C0027672, MeSH D009386, MONDO:0015356.
Neurofibromatosis, type 1 (NF1). Also called: Peripheral type neurofibromatosis; Neurofibromatosis, type I; VON RECKLINGHAUSEN DISEASE; NEUROFIBROMATOSIS, TYPE I, SOMATIC. Identifiers: Orphanet 636, MedGen C0027831, MONDO:0018975, OMIM 162200. Disease mechanism: loss of function.

gnomAD v4.1: 3 of 1,614,178 alleles (0.00019%); highest among the groups gnomAD compares: Non-Finnish European, 0.00025%; no homozygotes.

Submissions (3):

Myriad Genetics, Inc.
Classification: Benign for Neurofibromatosis, type 1. Last evaluated: 2026-09-29. Review status: criteria provided, single submitter. Criteria: Myriad Autosomal Dominant, Autosomal Recessive and X-Linked Classification Criteria (2023). Collection method: clinical testing. Allele origin: unknown.
Comment: This variant is considered benign. This variant is a silent/synonymous amino acid change and it is not expected to impact splicing.

Labcorp Genetics (formerly Invitae), Labcorp
Classification: Likely benign for Neurofibromatosis, type 1. Last evaluated: 2022-08-22. Review status: criteria provided, single submitter. Criteria: Invitae Variant Classification Sherloc (09022015). Collection method: clinical testing. Allele origin: germline.

Ambry Genetics
Classification: Likely benign for Hereditary cancer-predisposing syndrome. Last evaluated: 2015-04-15. Review status: criteria provided, single submitter. Criteria: Ambry Autosomal Dominant and X-Linked criteria (10/2015). Collection method: clinical testing. Allele origin: germline. Observed: 1 variant allele.

NM_001042492.3(NF1):c.8296C>T (p.Leu2766=)

Gene: NF1 (neurofibromin 1; plus strand). Cytogenetic location: 17q11.2.
Variant type: single nucleotide variant.
Coding change: c.8296C>T on transcript NM_001042492.3 (MANE Select); coding-DNA position 8296, C replaced by T.
Protein change: p.Leu2766=; no amino-acid change (leucine 2766 retained).
Molecular consequence: synonymous variant.
Genome position (GRCh38, 1-based): chr17:31,360,622, C>T. VCF-style: chr17-31360622-C-T. GRCh37 (hg19) VCF-style: chr17-29687640-C-T.
Other names: c.8233C>T, p.Leu2745= (NM_000267.4).
Identifiers: ClinVar variation 219935 (VCV000219935.12), dbSNP rs749647961, ClinGen allele CA349959.
Genomic context (GRCh38, chr17:31,360,622, plus strand): 5'-ATTGATGAAGAAACCAGTGAAGAATCCCTCCTGACTCCCACATCTCCTTACCCTCCTGCA[C>T]TGCAGAGCCAGCTTAGTATCACTGCCAACCTTAACCTTTCTAATTCCATGACCTCACTTG-3'
Protein context (NP_001035957.1, residues 2756-2776): LTPTSPYPPA[Leu2766=]QSQLSITANL